The following is an entry in ClinVar:

NM_004304.5(ALK):c.3451-5C>T

Gene: ALK (ALK receptor tyrosine kinase; minus strand). Cytogenetic location: 2p23.2.
Variant type: single nucleotide variant.
Coding change: c.3451-5C>T on transcript NM_004304.5 (MANE Select); 5 bases into the intron before coding-DNA position 3451, C replaced by T.
Molecular consequence: intron variant.
Genome position (GRCh38, 1-based): chr2:29,222,413, G>A on the plus strand (C>T on the coding strand, the complement: ALK is on the minus strand). VCF-style: chr2-29222413-G-A. GRCh37 (hg19) VCF-style: chr2-29445279-G-A.
Other names: c.247-5C>T (NM_001353765.2).
Identifiers: ClinVar variation 1731569 (VCV001731569.2), dbSNP rs2148168776, ClinGen allele CA2580066300.

ClinVar aggregate classification (germline): Uncertain significance (1 of 4 stars; one submission).

Conditions:
Hereditary cancer-predisposing syndrome. Also called: Neoplastic Syndromes, Hereditary; Tumor predisposition; Hereditary Cancer Syndrome; Hereditary neoplastic syndrome. Identifiers: Orphanet 140162, MedGen C0027672, MeSH D009386, MONDO:0015356.

Submission:

Ambry Genetics
Classification: Uncertain significance for Hereditary cancer-predisposing syndrome. Last evaluated: 2022-08-08. Review status: criteria provided, single submitter. Criteria: Ambry Variant Classification Scheme 2023. Collection method: clinical testing. Allele origin: germline.
Comment: The c.3451-5C>T intronic variant results from a C to T substitution 5 nucleotides upstream from coding exon 22 in the ALK gene. This nucleotide position is not well conserved in available vertebrate species. In silico splice site analysis predicts that this alteration will not have any significant effect on splicing. Since supporting evidence is limited at this time, the clinical significance of this alteration remains unclear.